The following is an entry in ClinVar:

NM_176818.3(GATC):c.310C>G (p.Leu104Val)

Gene: GATC (glutamyl-tRNA amidotransferase subunit C; plus strand). Cytogenetic location: 12q24.31.
Variant type: single nucleotide variant.
Coding change: c.310C>G on transcript NM_176818.3 (MANE Select); coding-DNA position 310, C replaced by G.
Protein change: p.Leu104Val; replaces leucine 104 with valine.
Molecular consequence: missense variant. On other transcripts: non-coding transcript variant (1).
Genome position (GRCh38, 1-based): chr12:120,457,131, C>G. VCF-style: chr12-120457131-C-G. GRCh37 (hg19) VCF-style: chr12-120894934-C-G.
Other names: short protein forms L104V.
Identifiers: ClinVar variation 429332 (VCV000429332.2), dbSNP rs1131691323, ClinGen allele CA386577977.

ClinVar aggregate classification (germline): Uncertain significance (1 of 4 stars; one submission).

Submission:

GeneDx
Classification: Uncertain significance. Last evaluated: 2017-04-25. Review status: criteria provided, single submitter. Criteria: GeneDx Variant Classification (06012015). Collection method: clinical testing. Allele origin: germline. Affected: yes.
Comment: The L104V variant in the GATC gene has not been reported previously as a pathogenic variant, nor as a benign variant, to our knowledge. This variant is not observed in large population cohorts (Lek et al., 2016; 1000 Genomes Consortium et al., 2015; Exome Variant Server). The L104V variant is a conservative amino acid substitution, which is not likely to impact secondary protein structure as these residues share similar properties. This substitution occurs at a position that is conserved across species, and in silico analysis predicts this variant is probably damaging to the protein structure/function. Based on currently available evidence, we interpret L104V as a variant of uncertain significance.